The following is an entry in ClinVar:

ClinVar aggregate classification (germline): Benign/Likely benign. Review status: criteria provided, multiple submitters, no conflicts (2 of 4 stars). 3 submissions from 3 submitters: Benign (1); Likely benign (1). 1 of the submissions does not count toward it. Last evaluated 2026-02-01.

Conditions:
FERMT1-related disorder. Also called: FERMT1-related condition.

Allele frequency attached by ClinVar (database versions not stated): TOPMed 0.00033; ESP Exome Variant Server 0.00062.
gnomAD v4.1: 549 of 1,613,824 alleles (0.034%); highest among the groups gnomAD compares: Non-Finnish European, 0.027%; 1 homozygote.

Submissions (3):

Labcorp Genetics (formerly Invitae), Labcorp
Classification: Benign. Last evaluated: 2026-02-01. Review status: criteria provided, single submitter. Criteria: Invitae Variant Classification Sherloc (09022015). Collection method: clinical testing. Allele origin: germline.

Blueprint Genetics
Classification: Likely benign. Last evaluated: 2024-11-21. Review status: criteria provided, single submitter. Criteria: ACMG Guidelines, 2015. Collection method: clinical testing. Allele origin: germline.

PreventionGenetics, part of Exact Sciences
Classification: Likely benign for FERMT1-related condition. Last evaluated: 2023-10-12. Review status: no assertion criteria provided. Collection method: clinical testing. Allele origin: germline. Not counted in ClinVar's aggregate classification.
Comment: This variant is classified as likely benign based on ACMG/AMP sequence variant interpretation guidelines (Richards et al. 2015 PMID: 25741868, with internal and published modifications).

NM_017671.5(FERMT1):c.675C>A (p.Pro225=)

Gene: FERMT1 (FERM domain containing kindlin 1; minus strand). Cytogenetic location: 20p12.3.
Variant type: single nucleotide variant.
Coding change: c.675C>A on transcript NM_017671.5 (MANE Select); coding-DNA position 675, C replaced by A.
Protein change: p.Pro225=; no amino-acid change (proline 225 retained).
Molecular consequence: synonymous variant.
Genome position (GRCh38, 1-based): chr20:6,110,369, G>T on the plus strand (C>A on the coding strand, the complement: FERMT1 is on the minus strand). VCF-style: chr20-6110369-G-T. GRCh37 (hg19) VCF-style: chr20-6091016-G-T.
Identifiers: ClinVar variation 756119 (VCV000756119.13), dbSNP rs141656399, ClinGen allele CA9758399.